The following is an entry in ClinVar:

NM_004526.4(MCM2):c.634C>T (p.His212Tyr)

Gene: MCM2 (minichromosome maintenance complex component 2; plus strand). Cytogenetic location: 3q21.3.
Variant type: single nucleotide variant.
Coding change: c.634C>T on transcript NM_004526.4 (MANE Select); coding-DNA position 634, C replaced by T.
Protein change: p.His212Tyr; replaces histidine 212 with tyrosine.
Molecular consequence: missense variant. On other transcripts: non-coding transcript variant (1).
Genome position (GRCh38, 1-based): chr3:127,605,117, C>T. VCF-style: chr3-127605117-C-T. GRCh37 (hg19) VCF-style: chr3-127323960-C-T.
Other names: short protein forms H212Y.
Identifiers: ClinVar variation 4804220 (VCV004804220.1).

ClinVar aggregate classification (germline): Uncertain significance (1 of 4 stars; one submission).

Submission:

Labcorp Genetics (formerly Invitae), Labcorp
Classification: Uncertain significance. Last evaluated: 2025-07-24. Review status: criteria provided, single submitter. Criteria: Invitae Variant Classification Sherloc (09022015). Collection method: clinical testing. Allele origin: germline.
Comment: This sequence change replaces histidine, which is basic and polar, with tyrosine, which is neutral and polar, at codon 212 of the MCM2 protein (p.His212Tyr). This variant is not present in population databases (gnomAD no frequency). This variant has not been reported in the literature in individuals affected with MCM2-related conditions. Invitae Evidence Modeling of protein sequence and biophysical properties (such as structural, functional, and spatial information, amino acid conservation, physicochemical variation, residue mobility, and thermodynamic stability) indicates that this missense variant is not expected to disrupt MCM2 protein function with a negative predictive value of 80%. In summary, the available evidence is currently insufficient to determine the role of this variant in disease. Therefore, it has been classified as a Variant of Uncertain Significance.